The following is an entry in ClinVar:

ClinVar aggregate classification (germline): Pathogenic. Review status: criteria provided, multiple submitters, no conflicts (2 of 4 stars). 10 submissions from 10 submitters: Pathogenic (7). 3 of the submissions do not count toward it. Last evaluated 2025-05-17.

Conditions:
Hb SS disease (SCD). Also called: Hemoglobin SS; Sickle cell anemia; Sickle cell disease; HbS disease; Hemoglobin S Disease; Sickling disorder due to hemoglobin S. Identifiers: Orphanet 232, Orphanet 275752, MedGen C0002895, MONDO:0011382, OMIM 603903.
Heinz body anemia. Also called: Heinz body hemolytic anemia. Identifiers: Orphanet 178330, MedGen C0700299, MONDO:0007705, OMIM 140700, HP:0005511.
Dominant beta-thalassemia. Also called: Beta-thalassemia, dominant inclusion body type. Identifiers: Orphanet 231226, Orphanet 848, MedGen C1858990, MONDO:0011381, OMIM 603902.
Beta-thalassemia HBB/LCRB. Identifiers: MedGen CN322236, MONDO:0013517, OMIM 613985.
Erythrocytosis, familial, 6. Also called: POLYCYTHEMIA, BETA-GLOBIN TYPE; ERYTHROCYTOSIS, BETA-GLOBIN TYPE. Identifiers: MedGen C4693822, MONDO:0054801, OMIM 617980.
METHEMOGLOBINEMIA, BETA TYPE. Also called: Methemoglobinemia, beta-globin type. Identifiers: MedGen C1840779, OMIM 617971.
Malaria, susceptibility to. Identifiers: Orphanet 673, MedGen C1970028, MONDO:0021024, OMIM 611162.
Hereditary persistence of fetal hemoglobin. Identifiers: MedGen C0019025, MONDO:0020989, OMIM 141749.
beta Thalassemia (BTHAL). Also called: Cooley's anemia; Erythroblastic anemia; Mediterranean anemia. Identifiers: Orphanet 848, MedGen C0005283, MONDO:0019402. Disease mechanism: loss of function.
Beta zero thalassemia. Identifiers: MedGen C0271980.

Submissions (10):

Natera, Inc.
Classification: Pathogenic for Beta thalassemia. Last evaluated: 2025-05-17. Review status: criteria provided, single submitter. Criteria: Natera Variant Classification Schema (03/2026). Collection method: clinical testing. Allele origin: germline.
Comment: The c.2T>G variant in HBB is predicted to result in start loss due to disruption of the initiator methionine. This variant is expected to result in nonsense mediated decay, truncation, or a dysfunctional protein product. This variant is rare in the general population with a frequency below the threshold expected for the associated phenotype(s). This variant has been observed in one or more individuals affected with the associated recessive disease, as either homozygous or compound heterozygous with a second variant (PMID: 21797702, 12955718). Given the available evidence, this variant is classified as Pathogenic.

Fulgent Genetics
Classification: Pathogenic for Heinz body anemia; Hereditary persistence of fetal hemoglobin; Dominant beta-thalassemia; Hb SS disease; Malaria, susceptibility to; Beta-thalassemia HBB/LCRB; METHEMOGLOBINEMIA, BETA TYPE; Erythrocytosis, familial, 6. Last evaluated: 2024-05-29. Review status: criteria provided, single submitter. Criteria: ACMG Guidelines, 2015. Collection method: clinical testing. Allele origin: germline.

ARUP Laboratories, Molecular Genetics and Genomics, ARUP Laboratories
Classification: Pathogenic. Last evaluated: 2023-12-29. Review status: criteria provided, single submitter. Criteria: ARUP Molecular Germline Variant Investigation Process 2024. Collection method: clinical testing. Allele origin: germline.
Comment: The HBB c.2T>G; p.Met1? variant (rs33941849, HbVar ID: 777) is reported in the literature in individuals affected with beta(0) thalassemia, with no detectable expression of the beta globin protein in a patient possessing a beta(0) thalassemia variant on the other chromosome (HbVar database and references therein). This variant is reported in ClinVar (Variation ID: 15434), and is absent from the Genome Aggregation Database (v2.1.1), indicating it is not a common polymorphism. This variant ablates the canonical translation initiation codon, and is predicted to lead to an aberrant or absent protein. Based on available information, this variant is considered to be pathogenic. References Link to HbVar database

Labcorp Genetics (formerly Invitae), Labcorp
Classification: Pathogenic. Last evaluated: 2023-09-01. Review status: criteria provided, single submitter. Criteria: Invitae Variant Classification Sherloc (09022015). Collection method: clinical testing. Allele origin: germline.
Comment: This sequence change affects the initiator methionine of the HBB mRNA. The next in-frame methionine is located at codon 56. This variant is not present in population databases (gnomAD no frequency). Disruption of the initiator codon has been observed in individual(s) with clinical features of autosomal recessive beta thalassemia (PMID: 12955718, 14715623, 29695942). This variant has been reported in individual(s) with autosomal dominant beta thalassemia (PMID: 8144357); however, the role of the variant in this condition is currently unclear. This variant is also known as CD0T>G, Initiation codon ATG→AGG. ClinVar contains an entry for this variant (Variation ID: 15434). This variant disrupts a region of the HBB protein in which other variant(s) (p.Glu7Lys) have been determined to be pathogenic (PMID: 20301551, 23297836, 26372199, 27117572). This suggests that this is a clinically significant region of the protein, and that variants that disrupt it are likely to be disease-causing. For these reasons, this variant has been classified as Pathogenic.

Quest Diagnostics Nichols Institute San Juan Capistrano
Classification: Pathogenic. Last evaluated: 2021-10-06. Review status: criteria provided, single submitter. Criteria: Quest Diagnostics criteria. Collection method: clinical testing. Allele origin: unknown.
Comment: This variant disrupts in the translation initiation codon of the HBB mRNA and is predicted to interfere with HBB protein synthesis. It has not been reported in large, multi-ethnic general populations. This variant is associated with beta-zero-thalassemia and is known to be a common Chinese beta-thalassemia pathogenic variant (PMID: 2306523 (1990), 27829298 (2016), 34474730 (2021), 34293487 (2021)). Based on the available information, this variant is classified as pathogenic.

Women's Health and Genetics/Laboratory Corporation of America, LabCorp
Classification: Pathogenic for beta Thalassemia. Last evaluated: 2020-07-14. Review status: criteria provided, single submitter. Criteria: LabCorp Variant Classification Summary - May 2015. Collection method: clinical testing. Allele origin: germline.
Comment: Variant summary: HBB c.2T>G (p.Met1Arg) alters the initiation codon and is predicted to result either in absence of the protein or truncation of the encoded protein due to translation initiation at a downstream codon. Arginine is not a known alternative start codon for eukaryotes in nature; thus, translation would be predicted to start at the next Met in the HBB protein (which is at amino acid 56), causing a loss of translation of the normal N-terminus of the protein. Four of four in-silico tools predict a damaging effect of the variant on protein function. The variant was absent in 251128 control chromosomes (gnomAD). c.2T>G has been reported in the literature in multiple individuals affected with Beta Thalassemia (e.g. Lam_1990, Lee_2002, Su_2003). These data indicate that the variant is very likely to be associated with disease. To our knowledge, no experimental evidence demonstrating an impact on protein function has been reported. This codon is in a mutational hotspot where other changes [such as: p.M1I (c.3G>A, C, and T), p.M1L, p.M1K, p.M1T and p.M1V] at the same residue have also been found in HBB patients (source: HGMD). Four ClinVar submitters (evaluation after 2014) cite the variant as pathogenic. Based on the evidence outlined above, the variant was classified as pathogenic.

Baylor Genetics
Classification: Pathogenic for Hb SS disease. Review status: criteria provided, single submitter. Criteria: ACMG Guidelines, 2015. Collection method: clinical testing. Allele origin: germline.

The ITHANET community portal, The Cyprus Institute of Neurology and Genetics
Classification: Pathogenic for beta Thalassemia. Last evaluated: 2019-11-25. Review status: no assertion criteria provided. Collection method: curation. Allele origin: germline. Not counted in ClinVar's aggregate classification.

Counsyl
Classification: Pathogenic for Beta-thalassemia HBB/LCRB. Last evaluated: 2017-10-05. Review status: no assertion criteria provided. Collection method: clinical testing. Allele origin: unknown. Not counted in ClinVar's aggregate classification.

OMIM
Classification: Pathogenic for BETA-ZERO-THALASSEMIA. Last evaluated: 1992-06-01. Review status: no assertion criteria provided. Collection method: literature only. Allele origin: germline. Not counted in ClinVar's aggregate classification.

Literature cited by the submitters: PubMed 21797702 (cited by Natera, Inc. and Counsyl); PubMed 12955718 (cited by 4 submitters); PubMed 14715623 (cited by 3 submitters); PubMed 29695942 (cited by Labcorp Genetics (formerly Invitae), Labcorp); PubMed 8144357 (cited by Labcorp Genetics (formerly Invitae), Labcorp); PubMed 20301551 (cited by Labcorp Genetics (formerly Invitae), Labcorp); PubMed 23297836 (cited by Labcorp Genetics (formerly Invitae), Labcorp); PubMed 26372199 (cited by Labcorp Genetics (formerly Invitae), Labcorp); PubMed 27117572 (cited by Labcorp Genetics (formerly Invitae), Labcorp); PubMed 24086942 (cited by Quest Diagnostics Nichols Institute San Juan Capistrano and Counsyl); PubMed 34474730 (cited by Quest Diagnostics Nichols Institute San Juan Capistrano); PubMed 33244864 (cited by Quest Diagnostics Nichols Institute San Juan Capistrano); PubMed 34293487 (cited by Quest Diagnostics Nichols Institute San Juan Capistrano); PubMed 2306523 (cited by 4 submitters); PubMed 1517111 (cited by 3 submitters); PubMed 1586746 (cited by Quest Diagnostics Nichols Institute San Juan Capistrano and OMIM); PubMed 19429541 (cited by 3 submitters); PubMed 22335963 (cited by 3 submitters); PubMed 26715484 (cited by Quest Diagnostics Nichols Institute San Juan Capistrano); PubMed 27829298 (cited by Quest Diagnostics Nichols Institute San Juan Capistrano); PubMed 9101288 (cited by Women's Health and Genetics/Laboratory Corporation of America, LabCorp and Counsyl); PubMed 8435318 (cited by Women's Health and Genetics/Laboratory Corporation of America, LabCorp); PubMed 19631632 (cited by Women's Health and Genetics/Laboratory Corporation of America, LabCorp); PubMed 19460936 (cited by Women's Health and Genetics/Laboratory Corporation of America, LabCorp); PubMed 18266208 (cited by Women's Health and Genetics/Laboratory Corporation of America, LabCorp); PubMed 12172041 (cited by Women's Health and Genetics/Laboratory Corporation of America, LabCorp); PubMed 25525381 (cited by Counsyl).

NM_000518.5(HBB):c.2T>G (p.Met1Arg)

Genes: HBB (hemoglobin subunit beta; minus strand), LOC106099062 (HBB recombination region; plus strand), LOC107133510 (origin of replication at HBB; plus strand). Cytogenetic location: 11p15.4.
Variant type: single nucleotide variant.
Coding change: c.2T>G on transcript NM_000518.5 (MANE Select); coding-DNA position 2, T replaced by G.
Protein change: p.Met1Arg; changes the start codon (methionine 1).
Molecular consequence: missense variant, initiator codon variant.
Genome position (GRCh38, 1-based): chr11:5,227,020, A>C on the plus strand (T>G on the coding strand, the complement: HBB is on the minus strand). VCF-style: chr11-5227020-A-C. GRCh37 (hg19) VCF-style: chr11-5248250-A-C.
Other names: Init CD ATG>AGG; short protein forms M1R.
Identifiers: ClinVar variation 15434 (VCV000015434.110), dbSNP rs33941849, ClinGen allele CA125299.
Genomic context (GRCh38, chr11:5,227,020, plus strand): 5'-ACGTTCACCTTGCCCCACAGGGCAGTAACGGCAGACTTCTCCTCAGGAGTCAGATGCACC[A>C]TGGTGTCTGTTTGAGGTTGCTAGTGAACACAGTTGTGTCAGAAGCAAATGTAAGCAATAG-3'
Protein context (NP_000509.1, residues 1-11): [Met1Arg]VHLTPEEKSA